The following is an entry in ClinVar:

NM_000138.5(FBN1):c.3751G>T (p.Gly1251Cys)

Gene: FBN1 (fibrillin 1; minus strand). Cytogenetic location: 15q21.1.
Variant type: single nucleotide variant.
Coding change: c.3751G>T on transcript NM_000138.5 (MANE Select); coding-DNA position 3751, G replaced by T.
Protein change: p.Gly1251Cys; replaces glycine 1251 with cysteine.
Molecular consequence: missense variant.
Genome position (GRCh38, 1-based): chr15:48,483,905, C>A on the plus strand (G>T on the coding strand, the complement: FBN1 is on the minus strand). VCF-style: chr15-48483905-C-A. GRCh37 (hg19) VCF-style: chr15-48776102-C-A.
Other names: c.3751G>T, p.Gly1251Cys (NM_001406716.1); short protein forms G1251C.
Identifiers: ClinVar variation 1734567 (VCV001734567.2), dbSNP rs2505541051, ClinGen allele CA392324024.

ClinVar aggregate classification (germline): Uncertain significance (1 of 4 stars; one submission).

Conditions:
Familial thoracic aortic aneurysm and aortic dissection (TAAD). Also called: Thoracic aortic aneurysms and dissections. Identifiers: Orphanet 91387, MedGen C4707243, MONDO:0019625.

Submission:

Ambry Genetics
Classification: Uncertain significance for Familial thoracic aortic aneurysm and aortic dissection. Last evaluated: 2021-06-29. Review status: criteria provided, single submitter. Criteria: Ambry Variant Classification Scheme 2023. Collection method: clinical testing. Allele origin: germline.
Comment: The p.G1251C variant (also known as c.3751G>T), located in coding exon 30 of the FBN1 gene, results from a G to T substitution at nucleotide position 3751. The glycine at codon 1251 is replaced by cysteine, an amino acid with highly dissimilar properties, and is located in the cbEGF-like #16 domain. The majority of FBN1 mutations identified to date have involved the substitution or generation of cysteine residues within cbEGF domains (Vollbrandt T et al. J Biol Chem. 2004;279(31):32924-32931). This amino acid position is highly conserved in available vertebrate species. In addition, this alteration is predicted to be deleterious by in silico analysis. Since supporting evidence is limited at this time, the clinical significance of this alteration remains unclear.